The following is an entry in ClinVar:

ClinVar aggregate classification (germline): Uncertain significance (1 of 4 stars; one submission).

Conditions:
Multiple endocrine neoplasia, type 2 (MEN2). Identifiers: Orphanet 653, MedGen C4048306, MONDO:0019003. Disease mechanism: gain of function.

Submission:

Labcorp Genetics (formerly Invitae), Labcorp
Classification: Uncertain significance for Multiple endocrine neoplasia, type 2. Last evaluated: 2022-05-31. Review status: criteria provided, single submitter. Criteria: Invitae Variant Classification Sherloc (09022015). Collection method: clinical testing. Allele origin: germline.
Comment: In summary, the available evidence is currently insufficient to determine the role of this variant in disease. Therefore, it has been classified as a Variant of Uncertain Significance. Algorithms developed to predict the effect of missense changes on protein structure and function are either unavailable or do not agree on the potential impact of this missense change (SIFT: "Deleterious"; PolyPhen-2: "Probably Damaging"; Align-GVGD: "Class C0"). This variant has not been reported in the literature in individuals affected with RET-related conditions. This variant is not present in population databases (gnomAD no frequency). This sequence change replaces phenylalanine, which is neutral and non-polar, with tyrosine, which is neutral and polar, at codon 776 of the RET protein (p.Phe776Tyr).

NM_020975.6(RET):c.2327T>A (p.Phe776Tyr)

Gene: RET (ret proto-oncogene; plus strand). Cytogenetic location: 10q11.21.
Variant type: single nucleotide variant.
Coding change: c.2327T>A on transcript NM_020975.6 (MANE Select); coding-DNA position 2327, T replaced by A.
Protein change: p.Phe776Tyr; replaces phenylalanine 776 with tyrosine.
Molecular consequence: missense variant.
Genome position (GRCh38, 1-based): chr10:43,118,415, T>A. VCF-style: chr10-43118415-T-A. GRCh37 (hg19) VCF-style: chr10-43613863-T-A.
Other names: c.2192T>A, p.Phe731Tyr (NM_001406763.1, NM_001406765.1); c.2198T>A, p.Phe733Tyr (NM_001406764.1, NM_001406761.1, NM_001406762.1); c.2039T>A, p.Phe680Tyr (NM_001406766.1, NM_001406767.1, NM_001406770.1); c.2063T>A, p.Phe688Tyr (NM_001406768.1); c.1931T>A, p.Phe644Tyr (NM_001406769.1, NM_001406772.1); c.1889T>A, p.Phe630Tyr (NM_001406771.1, NM_001406773.1); c.1430T>A, p.Phe477Tyr (NM_001406782.1, NM_001406779.1, NM_001406780.1 and 1 more transcripts); c.1301T>A, p.Phe434Tyr (NM_001406783.1, NM_001406786.1); and 10 more; short protein forms F477Y, F733Y, F293Y, F434Y, F437Y, F601Y, F776Y, F381Y.
Identifiers: ClinVar variation 2000804 (VCV002000804.4), dbSNP rs2132929413, ClinGen allele CA376555681.